The following is an entry in ClinVar:

NM_014606.3(HERC3):c.555G>A (p.Arg185=)

Gene: HERC3 (HECT and RLD domain containing E3 ubiquitin protein ligase 3; plus strand). Cytogenetic location: 4q22.1.
Variant type: single nucleotide variant.
Coding change: c.555G>A on transcript NM_014606.3 (MANE Select); coding-DNA position 555, G replaced by A.
Protein change: p.Arg185=; no amino-acid change (arginine 185 retained).
Molecular consequence: synonymous variant. On other transcripts: intron variant (1).
Genome position (GRCh38, 1-based): chr4:88,652,960, G>A. VCF-style: chr4-88652960-G-A. GRCh37 (hg19) VCF-style: chr4-89574111-G-A.
Other names: c.201G>A, p.Arg67= (NM_001271602.2, NM_001375477.1); c.555G>A, p.Arg185= (NM_001318505.2, NM_001375478.1, NM_001375479.1 and 3 more transcripts); c.110-71G>A (NM_001375481.1).
Identifiers: ClinVar variation 2654944 (VCV002654944.24), dbSNP rs2476152104, ClinGen allele CA440396071.

ClinVar aggregate classification (germline): Likely benign (1 of 4 stars; one submission).

Submission:

CeGaT Center for Human Genetics Tuebingen
Classification: Likely benign. Last evaluated: 2023-11-01. Review status: criteria provided, single submitter. Criteria: CeGaT Center For Human Genetics Tuebingen Variant Classification Criteria Version 2. Collection method: clinical testing. Allele origin: germline. Affected: yes. Observed: 1 variant allele.
Comment: HERC3: PM2:Supporting, BP4, BP7